The following is an entry in ClinVar:

NM_001170629.2(CHD8):c.3492C>G (p.Ile1164Met)

Gene: CHD8 (chromodomain helicase DNA binding protein 8; minus strand). Cytogenetic location: 14q11.2.
Variant type: single nucleotide variant.
Coding change: c.3492C>G on transcript NM_001170629.2 (MANE Select); coding-DNA position 3492, C replaced by G.
Protein change: p.Ile1164Met; replaces isoleucine 1164 with methionine.
Molecular consequence: missense variant.
Genome position (GRCh38, 1-based): chr14:21,403,479, G>C on the plus strand (C>G on the coding strand, the complement: CHD8 is on the minus strand). VCF-style: chr14-21403479-G-C. GRCh37 (hg19) VCF-style: chr14-21871638-G-C.
Other names: c.2655C>G, p.Ile885Met (NM_020920.4); short protein forms I1164M, I885M.
Identifiers: ClinVar variation 4800106 (VCV004800106.1).
Genomic context (GRCh38, chr14:21,403,479, plus strand): 5'-GAGTAACCACAGGCTAGGATGACTCTTTTCTTACCTCCTCTGGATTAAATAATCCTCTAG[G>C]ATGTCTAGGCAGCGCACCATCTGAGAGAAGATCAGAACTTTATGGCCACCAGCTTTAAGC-3'
Protein context (NP_001164100.1, residues 1154-1174): IFSQMVRCLD[Ile1164Met]LEDYLIQRRY

ClinVar aggregate classification (germline): Uncertain significance (1 of 4 stars; one submission).

gnomAD v4.1: 4 of 1,613,074 alleles (0.00025%); highest among the groups gnomAD compares: Admixed American, 0.0067%; no homozygotes.

Submission:

Labcorp Genetics (formerly Invitae), Labcorp
Classification: Uncertain significance. Last evaluated: 2025-05-30. Review status: criteria provided, single submitter. Criteria: Invitae Variant Classification Sherloc (09022015). Collection method: clinical testing. Allele origin: germline.
Comment: This sequence change replaces isoleucine, which is neutral and non-polar, with methionine, which is neutral and non-polar, at codon 1164 of the CHD8 protein (p.Ile1164Met). This variant is present in population databases (rs748583001, gnomAD 0.009%). This variant has not been reported in the literature in individuals affected with CHD8-related conditions. Invitae Evidence Modeling of protein sequence and biophysical properties (such as structural, functional, and spatial information, amino acid conservation, physicochemical variation, residue mobility, and thermodynamic stability) has been performed for this missense variant. However, the output from this modeling did not meet the statistical confidence thresholds required to predict the impact of this variant on CHD8 protein function. In summary, the available evidence is currently insufficient to determine the role of this variant in disease. Therefore, it has been classified as a Variant of Uncertain Significance.